The following is an entry in ClinVar:

ClinVar aggregate classification (germline): Benign. Review status: criteria provided, multiple submitters, no conflicts (2 of 4 stars). 2 submissions from 2 submitters: Benign (2). Last evaluated 2016-03-29.

Allele frequency attached by ClinVar (database versions not stated): 1000 Genomes Project 30x 0.41880; 1000 Genomes Project 0.42512; TOPMed 0.42891; ESP Exome Variant Server 0.43408; gnomAD 0.44138 and 0.44820; ExAC 0.53725.
gnomAD v4.1: 801,541 of 1,550,246 alleles (52%); highest among the groups gnomAD compares: Middle Eastern, 60%; 212,370 homozygotes.

Submissions (2):

Laboratory for Molecular Medicine, Mass General Brigham Personalized Medicine
Classification: Benign. Last evaluated: 2016-03-29. Review status: criteria provided, single submitter. Criteria: LMM Criteria. Collection method: clinical testing. Allele origin: germline.
Comment: Variant identified in a genome or exome case(s) and assessed due to predicted null impact of the variant or pathogenic assertions in the literature or databases. Disclaimer: This variant has not undergone full assessment. The following are preliminary notes: Frequency

Breakthrough Genomics
Classification: Benign. Review status: criteria provided, single submitter. Criteria: ACMG Guidelines, 2015. Collection method: not provided. Allele origin: germline. Inheritance: Unknown mechanism. Affected: yes.

NM_001366028.2(DNAH12):c.3952C>T (p.Leu1318=)

Gene: DNAH12 (dynein axonemal heavy chain 12; minus strand). Cytogenetic location: 3p14.3.
Variant type: single nucleotide variant.
Coding change: c.3952C>T on transcript NM_001366028.2 (MANE Select); coding-DNA position 3952, C replaced by T.
Protein change: p.Leu1318=; no amino-acid change (leucine 1318 retained).
Molecular consequence: synonymous variant.
Genome position (GRCh38, 1-based): chr3:57,446,258, G>A on the plus strand (C>T on the coding strand, the complement: DNAH12 is on the minus strand). VCF-style: chr3-57446258-G-A. GRCh37 (hg19) VCF-style: chr3-57431985-G-A.
Identifiers: ClinVar variation 402638 (VCV000402638.5), dbSNP rs2121743, ClinGen allele CA2465007.
Genomic context (GRCh38, chr3:57,446,258, plus strand): 5'-ACACTTCCAACTCAATTCGATTGAATTCATCAAAGCAAGCCCAAGCACCAGAAGAAGCCA[G>A]TCCTTTAAAAAACTAAGGACAAAGAAAAAGGAAAGTGATTTTTTTCTCAGGAAAGGATAT-3'
Protein context (NP_001352957.1, residues 1308-1328): YLAMGKFFKG[Leu1318=]ASSGAWACFD